The following is an entry in ClinVar:

ClinVar aggregate classification (germline): Uncertain significance (1 of 4 stars; one submission).

gnomAD v4.1: 14 of 1,204,307 alleles (0.0012%); highest among the groups gnomAD compares: Non-Finnish European, 0.0012%; no homozygotes.

Submission:

Women's Health and Genetics/Laboratory Corporation of America, LabCorp
Classification: Uncertain significance. Last evaluated: 2024-10-04. Review status: criteria provided, single submitter. Criteria: LabCorp Variant Classification Summary - May 2015. Collection method: clinical testing. Allele origin: germline.
Comment: Variant summary: AR c.1520G>A (p.Gly507Asp) results in a non-conservative amino acid change in the encoded protein sequence. Three of five in-silico tools predict a damaging effect of the variant on protein function. The variant allele was found at a frequency of 5.9e-06 in 170791 control chromosomes. The available data on variant occurrences in the general population are insufficient to allow any conclusion about variant significance. c.1520G>A has been reported in the literature in males affected with androgen insensitivity or azoospermia (e.g. Ferlin_2006, Riera-Escamilla_2022). These reports do not provide unequivocal conclusions about association of the variant with Androgen Resistance Syndrome. To our knowledge, no experimental evidence demonstrating an impact on protein function has been reported. The following publications have been ascertained in the context of this evaluation (PMID: 17054461, 35809576). No submitters have cited clinical-significance assessments for this variant to ClinVar. Based on the evidence outlined above, the variant was classified as uncertain significance.

Literature cited by the submitters: PubMed 17054461; PubMed 35809576.

NM_000044.6(AR):c.1520G>A (p.Gly507Asp)

Gene: AR (androgen receptor; plus strand). Cytogenetic location: Xq12.
Variant type: single nucleotide variant.
Coding change: c.1520G>A on transcript NM_000044.6 (MANE Select); coding-DNA position 1520, G replaced by A.
Protein change: p.Gly507Asp; replaces glycine 507 with aspartic acid.
Molecular consequence: missense variant. On other transcripts: 5 prime UTR variant (1).
Genome position (GRCh38, 1-based): chrX:67,546,666, G>A. VCF-style: chrX-67546666-G-A. GRCh37 (hg19) VCF-style: chrX-66766508-G-A.
Other names: c.-264G>A (NM_001011645.3); c.1520G>A, p.Gly507Asp (NM_001348061.1, NM_001348063.1, NM_001348064.1); short protein forms G507D.
Identifiers: ClinVar variation 3384924 (VCV003384924.1).